The following is an entry in ClinVar:

ClinVar aggregate classification (germline): Benign (1 of 4 stars; one submission).

Conditions:
Familial cancer of breast. Also called: hereditary breast carcinoma; Hereditary breast cancer; BREAST CANCER, FAMILIAL. Identifiers: Orphanet 227535, MedGen C0346153, MONDO:0016419, OMIM 114480. Disease mechanism: loss of function.

Submission:

Myriad Genetics, Inc.
Classification: Benign for Familial cancer of breast. Last evaluated: 2024-08-09. Review status: criteria provided, single submitter. Criteria: Myriad Autosomal Dominant, Autosomal Recessive and X-Linked Classification Criteria (2023). Collection method: clinical testing. Allele origin: unknown.
Comment: This variant is considered benign. This variant is a silent/synonymous amino acid change and it is not expected to impact splicing.

NM_032043.3(BRIP1):c.138T>C (p.Ser46=)

Gene: BRIP1 (BRCA1 interacting DNA helicase 1; minus strand). Cytogenetic location: 17q23.2.
Variant type: single nucleotide variant.
Coding change: c.138T>C on transcript NM_032043.3 (MANE Select); coding-DNA position 138, T replaced by C.
Protein change: p.Ser46=; no amino-acid change (serine 46 retained).
Molecular consequence: synonymous variant.
Genome position (GRCh38, 1-based): chr17:61,859,863, A>G on the plus strand (T>C on the coding strand, the complement: BRIP1 is on the minus strand). VCF-style: chr17-61859863-A-G. GRCh37 (hg19) VCF-style: chr17-59937224-A-G.
Identifiers: ClinVar variation 3378565 (VCV003378565.1).